The following is an entry in ClinVar:

NM_000051.4(ATM):c.5320-12C>G

Gene: ATM (ATM serine/threonine kinase; plus strand). Cytogenetic location: 11q22.3.
Variant type: single nucleotide variant.
Coding change: c.5320-12C>G on transcript NM_000051.4 (MANE Select); 12 bases into the intron before coding-DNA position 5320, C replaced by G.
Molecular consequence: intron variant.
Genome position (GRCh38, 1-based): chr11:108,302,841, C>G. VCF-style: chr11-108302841-C-G. GRCh37 (hg19) VCF-style: chr11-108173568-C-G.
Other names: c.5320-12C>G (NM_001351834.2).
Identifiers: ClinVar variation 919590 (VCV000919590.4), dbSNP rs2083494676, ClinGen allele CA1139662318.

ClinVar aggregate classification (germline): Conflicting classifications of pathogenicity. Review status: criteria provided, conflicting classifications (1 of 4 stars). 2 submissions from 2 submitters: Uncertain significance (1); Likely benign (1). Last evaluated 2023-03-24.

Conditions:
Hereditary cancer-predisposing syndrome. Also called: Tumor predisposition; Neoplastic Syndromes, Hereditary; Hereditary neoplastic syndrome; Hereditary Cancer Syndrome. Identifiers: Orphanet 140162, MedGen C0027672, MeSH D009386, MONDO:0015356.

Submissions (2):

Blueprint Genetics
Classification: Likely benign. Last evaluated: 2023-03-24. Review status: criteria provided, single submitter. Criteria: ACMG Guidelines, 2015. Collection method: clinical testing. Allele origin: germline.

Color Diagnostics, LLC DBA Color Health
Classification: Uncertain significance for Hereditary cancer-predisposing syndrome. Last evaluated: 2020-03-16. Review status: criteria provided, single submitter. Criteria: ACMG Guidelines, 2015. Collection method: clinical testing. Allele origin: germline.
Comment: This variant causes a C to G nucleotide substitution at the -12 position of intron 35 of the ATM gene. To our knowledge, functional studies have not been reported for this variant. This variant has not been reported in individuals affected with hereditary cancer in the literature. This variant has not been identified in the general population by the Genome Aggregation Database (gnomAD). The available evidence is insufficient to determine the role of this variant in disease conclusively. Therefore, this variant is classified as a Variant of Uncertain Significance.